The following is an entry in ClinVar:

NM_005057.4(RBBP5):c.227G>A (p.Arg76Gln)

Gene: RBBP5 (RB binding protein 5, histone lysine methyltransferase complex subunit; minus strand). Cytogenetic location: 1q32.1.
Variant type: single nucleotide variant.
Coding change: c.227G>A on transcript NM_005057.4 (MANE Select); coding-DNA position 227, G replaced by A.
Protein change: p.Arg76Gln; replaces arginine 76 with glutamine.
Molecular consequence: missense variant. On other transcripts: 5 prime UTR variant (1).
Genome position (GRCh38, 1-based): chr1:205,105,160, C>T on the plus strand (G>A on the coding strand, the complement: RBBP5 is on the minus strand). VCF-style: chr1-205105160-C-T. GRCh37 (hg19) VCF-style: chr1-205074288-C-T.
Other names: c.227G>A, p.Arg76Gln (NM_001193272.2); c.-155G>A (NM_001193273.2); short protein forms R76Q.
Identifiers: ClinVar variation 5028001 (VCV005028001.1).
Genomic context (GRCh38, chr1:205,105,160, plus strand): 5'-AGAACATCCCACTGTGACACTATGTTATCAGTGGAAGCACTCACGAGTTTATGACCATCT[C>T]GGCTCCAGCTGAGGAAAAAAAAGGGGTAATTTAGCACATATTCTAAGTATATCATACCAC-3'
Protein context (NP_005048.2, residues 66-86): IHPVCSLCWS[Arg76Gln]DGHKLVSAST

ClinVar aggregate classification (germline): Uncertain significance (1 of 4 stars; one submission).

gnomAD v4.1: 5 of 1,610,160 alleles (0.00031%); highest among the groups gnomAD compares: Admixed American, 0.0017%; no homozygotes.

Submission:

Ambry Genetics
Classification: Uncertain significance. Last evaluated: 2026-07-03. Review status: criteria provided, single submitter. Criteria: Ambry Variant Classification Scheme 2023. Collection method: clinical testing. Allele origin: germline.
Comment: The c.227G>A (p.R76Q) alteration is located in exon 4 (coding exon 4) of the RBBP5 gene. This alteration results from a G to A substitution at nucleotide position 227, causing the arginine (R) at amino acid position 76 to be replaced by a glutamine (Q). Based on data from gnomAD, the A allele has an overall frequency of <0.001% (1/249824) total alleles studied. The highest observed frequency was 0.001% (1/113518) of European (non-Finnish) alleles. Based on insufficient or conflicting evidence, the clinical significance of this alteration remains unclear.